The following is an entry in ClinVar:

ClinVar aggregate classification (germline): Uncertain significance (1 of 4 stars; one submission).

Conditions:
Neurofibromatosis, type 2 (SWNV). Also called: BILATERAL ACOUSTIC NEUROFIBROMATOSIS; NF2-Related Schwannomatosis; SCHWANNOMATOSIS, VESTIBULAR. Identifiers: Orphanet 637, MedGen C0027832, MONDO:0007039, OMIM 101000. Disease mechanism: loss of function.

Submission:

Labcorp Genetics (formerly Invitae), Labcorp
Classification: Uncertain significance for Neurofibromatosis, type 2. Last evaluated: 2025-09-16. Review status: criteria provided, single submitter. Criteria: Invitae Variant Classification Sherloc (09022015). Collection method: clinical testing. Allele origin: germline.
Comment: This sequence change falls in intron 10 of the NF2 gene. It does not directly change the encoded amino acid sequence of the NF2 protein. It affects a nucleotide within the consensus splice site. This variant is not present in population databases (gnomAD no frequency). This variant has not been reported in the literature in individuals affected with NF2-related conditions. Variants that disrupt the consensus splice site are a relatively common cause of aberrant splicing (PMID: 17576681, 9536098). Algorithms developed to predict the effect of sequence changes on RNA splicing suggest that this variant is not likely to affect RNA splicing. In summary, the available evidence is currently insufficient to determine the role of this variant in disease. Therefore, it has been classified as a Variant of Uncertain Significance.

Literature cited by the submitters: PubMed 17576681; PubMed 9536098.

NM_000268.4(NF2):c.999+3G>C

Gene: NF2 (NF2, moesin-ezrin-radixin like (MERLIN) tumor suppressor; plus strand). Cytogenetic location: 22q12.2.
Variant type: single nucleotide variant.
Coding change: c.999+3G>C on transcript NM_000268.4 (MANE Select); 3 bases into the intron after coding-DNA position 999, G replaced by C.
Molecular consequence: intron variant.
Genome position (GRCh38, 1-based): chr22:29,668,449, G>C. VCF-style: chr22-29668449-G-C. GRCh37 (hg19) VCF-style: chr22-30064438-G-C.
Other names: c.999+3G>C (NM_016418.5, NM_181832.3, NM_001407060.1 and 2 more transcripts); c.885+3G>C (NM_001407056.1, NM_001407053.1); c.768+3G>C (NM_001407067.1); c.465+3G>C (NM_001407065.1); c.864+3G>C (NM_001407059.1, NM_001407057.1); c.447+26164G>C (NM_181833.3); c.876+3G>C (NM_001407058.1, NM_181829.3, NM_001407054.1); c.741+3G>C (NM_001407062.1); and 2 more.
Identifiers: ClinVar variation 4727288 (VCV004727288.1).